The following is an entry in ClinVar:

NM_001567.4(INPPL1):c.1159C>T (p.Arg387Trp)

Gene: INPPL1 (inositol polyphosphate phosphatase like 1; plus strand). Cytogenetic location: 11q13.4.
Variant type: single nucleotide variant.
Coding change: c.1159C>T on transcript NM_001567.4 (MANE Select); coding-DNA position 1159, C replaced by T.
Protein change: p.Arg387Trp; replaces arginine 387 with tryptophan.
Molecular consequence: missense variant.
Genome position (GRCh38, 1-based): chr11:72,230,430, C>T. VCF-style: chr11-72230430-C-T. GRCh37 (hg19) VCF-style: chr11-71941474-C-T.
Other names: short protein forms R387W.
Identifiers: ClinVar variation 1915731 (VCV001915731.7), dbSNP rs778197564, ClinGen allele CA6169921.

ClinVar aggregate classification (germline): Uncertain significance. Review status: criteria provided, multiple submitters, no conflicts (2 of 4 stars). 2 submissions from 2 submitters: Uncertain significance (2). Last evaluated 2025-05-04.

Conditions:
Inborn genetic diseases. Identifiers: MedGen C0950123, MeSH D030342.

Allele frequency attached by ClinVar (database versions not stated): TOPMed below 0.00001; ExAC 0.00001; gnomAD exomes 0.00001; gnomAD 0.00002.
gnomAD v4.1: 12 of 1,613,946 alleles (0.00074%); highest among the groups gnomAD compares: African/African-American, 0.0027%; no homozygotes.

Submissions (2):

Ambry Genetics
Classification: Uncertain significance for Inborn genetic diseases. Last evaluated: 2025-05-04. Review status: criteria provided, single submitter. Criteria: Ambry Variant Classification Scheme 2023. Collection method: clinical testing. Allele origin: germline.

Labcorp Genetics (formerly Invitae), Labcorp
Classification: Uncertain significance. Last evaluated: 2022-08-31. Review status: criteria provided, single submitter. Criteria: Invitae Variant Classification Sherloc (09022015). Collection method: clinical testing. Allele origin: germline.
Comment: In summary, the available evidence is currently insufficient to determine the role of this variant in disease. Therefore, it has been classified as a Variant of Uncertain Significance. Algorithms developed to predict the effect of missense changes on protein structure and function are either unavailable or do not agree on the potential impact of this missense change (SIFT: "Deleterious"; PolyPhen-2: "Probably Damaging"; Align-GVGD: "Class C0"). This variant has not been reported in the literature in individuals affected with INPPL1-related conditions. This variant is present in population databases (rs778197564, gnomAD 0.01%). This sequence change replaces arginine, which is basic and polar, with tryptophan, which is neutral and slightly polar, at codon 387 of the INPPL1 protein (p.Arg387Trp).